The following is an entry in ClinVar:

ClinVar aggregate classification (germline): Likely pathogenic (1 of 4 stars; one submission).

Conditions:
Neurofibromatosis, type 1 (NF1). Also called: Peripheral type neurofibromatosis; Neurofibromatosis, type I; VON RECKLINGHAUSEN DISEASE; NEUROFIBROMATOSIS, TYPE I, SOMATIC. Identifiers: Orphanet 636, MedGen C0027831, MONDO:0018975, OMIM 162200. Disease mechanism: loss of function.

Submission:

Rady Children's Institute for Genomic Medicine, Rady Children's Hospital San Diego
Classification: Likely pathogenic for NEUROFIBROMATOSIS, TYPE I. Last evaluated: 2016-12-09. Review status: criteria provided, single submitter. Criteria: ACMG Guidelines, 2015. Collection method: clinical testing. Allele origin: germline. Affected: yes. Observed: 1 variant allele.
Comment: The c.5118delT (p.Val1707PhefsTer3) variant is a frameshifting variant that is predicted to result in the premature truncation of the NF1 protein. This variant was not previously reported in the literature and/or found in the 1000 Genomes, Exome Variant Server (EVS), and Exome Aggregation Consortium (ExAC) databases. Thus it is presumed to be rare. Based on the predicted functional impact of this frameshifting variant, the p.Val1707PhefsTer3 variant is classified as likely pathogenic.

NM_001042492.3(NF1):c.5118del (p.Val1707fs)

Gene: NF1 (neurofibromin 1; plus strand). Cytogenetic location: 17q11.2.
Variant type: Deletion.
Coding change: c.5118del on transcript NM_001042492.3 (MANE Select); coding-DNA position 5118, one base deleted (T; older notation c.5118delT).
Protein change: p.Val1707fs; shifts the reading frame from valine 1707.
Molecular consequence: frameshift variant.
Genome position (GRCh38, 1-based): chr17:31,326,102, T deleted; the last of 2 consecutive T bases (chr17:31,326,101-31,326,102); deleting either gives the same sequence. VCF-style (leftmost placement, unchanged base first): chr17-31326100-CT-C. GRCh37 (hg19) VCF-style: chr17-29653118-CT-C.
Other names: c.5055delT, p.Val1686Phefs (NM_000267.4); short protein forms V1686fs, V1707fs.
Identifiers: ClinVar variation 691988 (VCV000691988.1), dbSNP rs1597830046, ClinGen allele CA915949802.